The following is an entry in ClinVar:

ClinVar aggregate classification (germline): Pathogenic/Likely pathogenic. Review status: criteria provided, multiple submitters, no conflicts (2 of 4 stars). 3 submissions from 3 submitters: Pathogenic (2); Likely pathogenic (1). Last evaluated 2024-03-26.

Conditions:
Glutaric aciduria, type 1. Also called: GA I; Glutaricaciduria, type I; Glutaric Acidemia Type 1; Glutaricacidemia Type 1; Glutaryl-CoA dehydrogenase deficiency; Glutaric acidemia type I. Identifiers: Orphanet 25, MedGen C0268595, MONDO:0009281, OMIM 231670.

Submissions (3):

Fulgent Genetics
Classification: Pathogenic for Glutaric aciduria, type 1. Last evaluated: 2024-03-26. Review status: criteria provided, single submitter. Criteria: ACMG Guidelines, 2015. Collection method: clinical testing. Allele origin: germline.

Labcorp Genetics (formerly Invitae), Labcorp
Classification: Pathogenic for Glutaric aciduria, type 1. Last evaluated: 2022-08-22. Review status: criteria provided, single submitter. Criteria: Invitae Variant Classification Sherloc (09022015). Collection method: clinical testing. Allele origin: germline.
Comment: For these reasons, this variant has been classified as Pathogenic. Algorithms developed to predict the effect of sequence changes on RNA splicing suggest that this variant may disrupt the consensus splice site. ClinVar contains an entry for this variant (Variation ID: 495688). This variant is also known as IVS6-4_Ex7+4del8. This variant has been observed in individual(s) with glutaric aciduria type I (PMID: 23225040). In at least one individual the data is consistent with being in trans (on the opposite chromosome) from a pathogenic variant. This variant is present in population databases (rs775103982, gnomAD 0.006%). This variant results in the deletion of part of exon 8 (c.636-4_639del) of the GCDH gene. It is expected to disrupt RNA splicing. Variants that disrupt the donor or acceptor splice site typically lead to a loss of protein function (PMID: 16199547), and loss-of-function variants in GCDH are known to be pathogenic (PMID: 10699052, 11854167, 16602100).

Women's Health and Genetics/Laboratory Corporation of America, LabCorp
Classification: Likely pathogenic for Glutaric aciduria, type 1. Last evaluated: 2019-10-17. Review status: criteria provided, single submitter. Criteria: LabCorp Variant Classification Summary - May 2015. Collection method: clinical testing. Allele origin: germline.
Comment: Variant summary: GCDH c.636-4_639delCCAGGATC is located in a canonical splice-site and is predicted to affect mRNA splicing resulting in a significantly altered protein due to either exon skipping, shortening, or inclusion of intronic material. Several computational tools predict a significant impact on normal splicing: Five predict the variant abolishes a 3' acceptor site. However, these predictions have yet to be confirmed by functional studies. The variant allele was found at a frequency of 4e-06 in 251312 control chromosomes. c.636-4_639delCCAGGATC has been reported in the literature in an individual affected with Glutaric Acidemia Type 1 (Wen_2012). These data do not allow any conclusion about variant significance. To our knowledge, no experimental evidence demonstrating an impact on protein function has been reported. No clinical diagnostic laboratories have submitted clinical-significance assessments for this variant to ClinVar after 2014. Based on the evidence outlined above, the variant was classified as likely pathogenic.

Literature cited by the submitters: PubMed 23225040 (cited by Labcorp Genetics (formerly Invitae), Labcorp and Women's Health and Genetics/Laboratory Corporation of America, LabCorp); PubMed 16199547 (cited by Labcorp Genetics (formerly Invitae), Labcorp); PubMed 10699052 (cited by Labcorp Genetics (formerly Invitae), Labcorp); PubMed 11854167 (cited by Labcorp Genetics (formerly Invitae), Labcorp); PubMed 16602100 (cited by Labcorp Genetics (formerly Invitae), Labcorp).

NM_000159.4(GCDH):c.636-4_639del

Gene: GCDH (glutaryl-CoA dehydrogenase; plus strand). Cytogenetic location: 19p13.13.
Variant type: Deletion.
Coding change: c.636-4_639del on transcript NM_000159.4 (MANE Select); 4 bases into the intron before coding-DNA position 636 through coding-DNA position 639, 8 bases deleted (CCAGGATC; older notation c.636-4_639delCCAGGATC).
Molecular consequence: splice acceptor variant.
Genome position (GRCh38, 1-based): chr19:12,896,201-12,896,208, CCAGGATC deleted; deleting any 8 consecutive bases within chr19:12,896,200-12,896,208 gives the same sequence; the c. name uses the placement nearest the transcript's 3' end. VCF-style (leftmost placement, unchanged base first): chr19-12896199-CCCCAGGAT-C. GRCh37 (hg19) VCF-style: chr19-13007013-CCCCAGGAT-C.
Other names: c.636-4_639delCCAGGATC (NM_000159.2); c.636-4_639del (NM_013976.5).
Identifiers: ClinVar variation 495688 (VCV000495688.10), dbSNP rs775103982, ClinGen allele CA9234457.